The following is an entry in ClinVar:

ClinVar aggregate classification (germline): Uncertain significance (1 of 4 stars; one submission).

Submission:

Labcorp Genetics (formerly Invitae), Labcorp
Classification: Uncertain significance. Last evaluated: 2021-12-20. Review status: criteria provided, single submitter. Criteria: Invitae Variant Classification Sherloc (09022015). Collection method: clinical testing. Allele origin: germline.
Comment: Algorithms developed to predict the effect of missense changes on protein structure and function are either unavailable or do not agree on the potential impact of this missense change (SIFT: "Deleterious"; PolyPhen-2: "Possibly Damaging"; Align-GVGD: "Class C0"). In summary, the available evidence is currently insufficient to determine the role of this variant in disease. Therefore, it has been classified as a Variant of Uncertain Significance. This variant has not been reported in the literature in individuals affected with MS4A1-related conditions. This variant is not present in population databases (gnomAD no frequency). This sequence change replaces tyrosine, which is neutral and polar, with phenylalanine, which is neutral and non-polar, at codon 165 of the MS4A1 protein (p.Tyr165Phe).

NM_152866.3(MS4A1):c.494A>T (p.Tyr165Phe)

Gene: MS4A1 (membrane spanning 4-domains A1; plus strand). Cytogenetic location: 11q12.2.
Variant type: single nucleotide variant.
Coding change: c.494A>T on transcript NM_152866.3 (MANE Select); coding-DNA position 494, A replaced by T.
Protein change: p.Tyr165Phe; replaces tyrosine 165 with phenylalanine.
Molecular consequence: missense variant.
Genome position (GRCh38, 1-based): chr11:60,466,078, A>T. VCF-style: chr11-60466078-A-T. GRCh37 (hg19) VCF-style: chr11-60233551-A-T.
Other names: c.494A>T, p.Tyr165Phe (NM_021950.4, NM_152867.2); short protein forms Y165F.
Identifiers: ClinVar variation 1931441 (VCV001931441.5), dbSNP rs2495410724, ClinGen allele CA380600112.